The following is an entry in ClinVar:

ClinVar aggregate classification (germline): Uncertain significance (1 of 4 stars; one submission).

Allele frequency attached by ClinVar (database versions not stated): gnomAD exomes 0.00001; ExAC 0.00002; ESP Exome Variant Server 0.00008.
gnomAD v4.1: 28 of 1,613,856 alleles (0.0017%); highest among the groups gnomAD compares: Non-Finnish European, 0.0023%; no homozygotes.

Submission:

Labcorp Genetics (formerly Invitae), Labcorp
Classification: Uncertain significance. Last evaluated: 2021-09-16. Review status: criteria provided, single submitter. Criteria: Invitae Variant Classification Sherloc (09022015). Collection method: clinical testing. Allele origin: germline.
Comment: In summary, the available evidence is currently insufficient to determine the role of this variant in disease. Therefore, it has been classified as a Variant of Uncertain Significance. Experimental studies and prediction algorithms are not available or were not evaluated, and the functional significance of this variant is currently unknown. This variant has not been reported in the literature in individuals affected with SLC46A1-related conditions. This variant is present in population databases (rs370955621, ExAC 0.003%). This sequence change replaces alanine with threonine at codon 259 of the SLC46A1 protein (p.Ala259Thr). The alanine residue is weakly conserved and there is a small physicochemical difference between alanine and threonine.

NM_080669.6(SLC46A1):c.775G>A (p.Ala259Thr)

Gene: SLC46A1 (solute carrier family 46 member 1; minus strand). Cytogenetic location: 17q11.2.
Variant type: single nucleotide variant.
Coding change: c.775G>A on transcript NM_080669.6 (MANE Select); coding-DNA position 775, G replaced by A.
Protein change: p.Ala259Thr; replaces alanine 259 with threonine.
Molecular consequence: missense variant.
Genome position (GRCh38, 1-based): chr17:28,404,922, C>T on the plus strand (G>A on the coding strand, the complement: SLC46A1 is on the minus strand). VCF-style: chr17-28404922-C-T. GRCh37 (hg19) VCF-style: chr17-26731940-C-T.
Other names: c.775G>A, p.Ala259Thr (NM_001242366.3); short protein forms A259T.
Identifiers: ClinVar variation 1413629 (VCV001413629.4), dbSNP rs370955621, ClinGen allele CA8458277.